The following is an entry in ClinVar:

NM_001352514.2(HLCS):c.1909C>T (p.Pro637Ser)

Gene: HLCS (holocarboxylase synthetase; minus strand). Cytogenetic location: 21q22.13.
Variant type: single nucleotide variant.
Coding change: c.1909C>T on transcript NM_001352514.2 (MANE Select); coding-DNA position 1909, C replaced by T.
Protein change: p.Pro637Ser; replaces proline 637 with serine.
Molecular consequence: missense variant. On other transcripts: non-coding transcript variant (2).
Genome position (GRCh38, 1-based): chr21:36,767,269, G>A on the plus strand (C>T on the coding strand, the complement: HLCS is on the minus strand). VCF-style: chr21-36767269-G-A. GRCh37 (hg19) VCF-style: chr21-38139570-G-A.
Other names: c.1468C>T, p.Pro490Ser (NM_000411.8, NM_001242784.3, NM_001242785.2 and 4 more transcripts); short protein forms P637S, P490S.
Identifiers: ClinVar variation 1379762 (VCV001379762.6), dbSNP rs2145777265, ClinGen allele CA409921959.

ClinVar aggregate classification (germline): Uncertain significance (1 of 4 stars; one submission).

Conditions:
Holocarboxylase synthetase deficiency. Also called: MULTIPLE CARBOXYLASE DEFICIENCY, EARLY ONSET. Identifiers: Orphanet 79242, MedGen C0268581, MONDO:0009666, OMIM 253270.

Submission:

Labcorp Genetics (formerly Invitae), Labcorp
Classification: Uncertain significance for Holocarboxylase synthetase deficiency. Last evaluated: 2021-10-22. Review status: criteria provided, single submitter. Criteria: Invitae Variant Classification Sherloc (09022015). Collection method: clinical testing. Allele origin: germline.
Comment: Advanced modeling of protein sequence and biophysical properties (such as structural, functional, and spatial information, amino acid conservation, physicochemical variation, residue mobility, and thermodynamic stability) performed at Invitae indicates that this missense variant is expected to disrupt HLCS protein function. In summary, the available evidence is currently insufficient to determine the role of this variant in disease. Therefore, it has been classified as a Variant of Uncertain Significance. This variant has not been reported in the literature in individuals affected with HLCS-related conditions. This variant is not present in population databases (ExAC no frequency). This sequence change replaces proline with serine at codon 490 of the HLCS protein (p.Pro490Ser). The proline residue is moderately conserved and there is a moderate physicochemical difference between proline and serine.